The following is an entry in ClinVar:

NM_024537.4(CARS2):c.1631G>A (p.Ser544Asn)

Gene: CARS2 (cysteinyl-tRNA synthetase 2, mitochondrial; minus strand). Cytogenetic location: 13q34.
Variant type: single nucleotide variant.
Coding change: c.1631G>A on transcript NM_024537.4 (MANE Select); coding-DNA position 1631, G replaced by A.
Protein change: p.Ser544Asn; replaces serine 544 with asparagine.
Molecular consequence: missense variant. On other transcripts: non-coding transcript variant (2).
Genome position (GRCh38, 1-based): chr13:110,641,601, C>T on the plus strand (G>A on the coding strand, the complement: CARS2 is on the minus strand). VCF-style: chr13-110641601-C-T. GRCh37 (hg19) VCF-style: chr13-111293948-C-T.
Other names: c.845G>A, p.Ser282Asn (NM_001352252.2); short protein forms S282N, S544N.
Identifiers: ClinVar variation 1011066 (VCV001011066.8), dbSNP rs747870375, ClinGen allele CA7051568.

ClinVar aggregate classification (germline): Uncertain significance (1 of 4 stars; one submission).

Conditions:
Combined oxidative phosphorylation defect type 27. Also called: Combined oxidative phosphorylation deficiency 27. Identifiers: Orphanet 477774, MedGen C5567608, MONDO:0014728, OMIM 616672.

Allele frequency attached by ClinVar (database versions not stated): ExAC 0.00001; gnomAD exomes 0.00001.
gnomAD v4.1: 18 of 1,613,692 alleles (0.0011%); highest among the groups gnomAD compares: Non-Finnish European, 0.0015%; no homozygotes.

Submission:

Labcorp Genetics (formerly Invitae), Labcorp
Classification: Uncertain significance for Combined oxidative phosphorylation defect type 27. Last evaluated: 2021-08-31. Review status: criteria provided, single submitter. Criteria: Invitae Variant Classification Sherloc (09022015). Collection method: clinical testing. Allele origin: germline.
Comment: This sequence change replaces serine with asparagine at codon 544 of the CARS2 protein (p.Ser544Asn). The serine residue is weakly conserved and there is a small physicochemical difference between serine and asparagine. This variant is present in population databases (rs747870375, ExAC 0.001%). This variant has not been reported in the literature in individuals affected with CARS2-related conditions. Algorithms developed to predict the effect of missense changes on protein structure and function output the following: SIFT: "Tolerated"; PolyPhen-2: "Benign"; Align-GVGD: "Class C0". The asparagine amino acid residue is found in multiple mammalian species, which suggests that this missense change does not adversely affect protein function. In summary, the available evidence is currently insufficient to determine the role of this variant in disease. Therefore, it has been classified as a Variant of Uncertain Significance.